The following is an entry in ClinVar:

NM_000081.4(LYST):c.184A>G (p.Ile62Val)

Gene: LYST (lysosomal trafficking regulator; minus strand). Cytogenetic location: 1q42.3.
Variant type: single nucleotide variant.
Coding change: c.184A>G on transcript NM_000081.4 (MANE Select); coding-DNA position 184, A replaced by G.
Protein change: p.Ile62Val; replaces isoleucine 62 with valine.
Molecular consequence: missense variant. On other transcripts: non-coding transcript variant (1).
Genome position (GRCh38, 1-based): chr1:235,830,234, T>C on the plus strand (A>G on the coding strand, the complement: LYST is on the minus strand). VCF-style: chr1-235830234-T-C. GRCh37 (hg19) VCF-style: chr1-235993534-T-C.
Other names: c.184A>G, p.Ile62Val (NM_001301365.1); short protein forms I62V.
Identifiers: ClinVar variation 2078167 (VCV002078167.3), dbSNP rs2527299782, ClinGen allele CA344968432.

ClinVar aggregate classification (germline): Uncertain significance (1 of 4 stars; one submission).

Conditions:
Chédiak-Higashi syndrome (CHS). Also called: Chediak-Higashi Syndrome. Identifiers: Orphanet 167, MedGen C0007965, MONDO:0008963, OMIM 214500.

Submission:

Labcorp Genetics (formerly Invitae), Labcorp
Classification: Uncertain significance for Chédiak-Higashi syndrome. Last evaluated: 2022-06-19. Review status: criteria provided, single submitter. Criteria: Invitae Variant Classification Sherloc (09022015). Collection method: clinical testing. Allele origin: germline.
Comment: In summary, the available evidence is currently insufficient to determine the role of this variant in disease. Therefore, it has been classified as a Variant of Uncertain Significance. Algorithms developed to predict the effect of missense changes on protein structure and function are either unavailable or do not agree on the potential impact of this missense change (SIFT: "Tolerated"; PolyPhen-2: "Probably Damaging"; Align-GVGD: "Class C0"). This variant has not been reported in the literature in individuals affected with LYST-related conditions. This variant is not present in population databases (gnomAD no frequency). This sequence change replaces isoleucine, which is neutral and non-polar, with valine, which is neutral and non-polar, at codon 62 of the LYST protein (p.Ile62Val).